The following is an entry in ClinVar:

NM_000520.6(HEXA):c.64G>A (p.Ala22Thr)

Gene: HEXA (hexosaminidase subunit alpha; minus strand). Cytogenetic location: 15q23.
Variant type: single nucleotide variant.
Coding change: c.64G>A on transcript NM_000520.6 (MANE Select); coding-DNA position 64, G replaced by A.
Protein change: p.Ala22Thr; replaces alanine 22 with threonine.
Molecular consequence: missense variant. On other transcripts: non-coding transcript variant (1).
Genome position (GRCh38, 1-based): chr15:72,375,909, C>T on the plus strand (G>A on the coding strand, the complement: HEXA is on the minus strand). VCF-style: chr15-72375909-C-T. GRCh37 (hg19) VCF-style: chr15-72668250-C-T.
Other names: c.64G>A, p.Ala22Thr (NM_001318825.2); short protein forms A22T.
Identifiers: ClinVar variation 317048 (VCV000317048.6), dbSNP rs756218457, ClinGen allele CA7645119.

ClinVar aggregate classification (germline): Uncertain significance (1 of 4 stars; one submission).

Conditions:
Tay-Sachs disease (TSD). Also called: HEXA DEFICIENCY; HEXA Disorders; GM2 gangliosidosis, type 1; Hexosaminidase alpha-subunit deficiency (variant B); Sphingolipidosis, Tay-Sachs; Hexosaminidase A Deficiency. Identifiers: Orphanet 845, MedGen C0039373, MONDO:0010100, OMIM 272800.

Allele frequency attached by ClinVar (database versions not stated): ExAC 0.00001; TOPMed 0.00001; gnomAD exomes 0.00002 and 0.00006.
gnomAD v4.1: 81 of 1,614,180 alleles (0.005%); highest among the groups gnomAD compares: Non-Finnish European, 0.0064%; no homozygotes.

Submission:

Labcorp Genetics (formerly Invitae), Labcorp
Classification: Uncertain significance for Tay-Sachs disease. Last evaluated: 2022-08-10. Review status: criteria provided, single submitter. Criteria: Invitae Variant Classification Sherloc (09022015). Collection method: clinical testing. Allele origin: germline.
Comment: This sequence change replaces alanine, which is neutral and non-polar, with threonine, which is neutral and polar, at codon 22 of the HEXA protein (p.Ala22Thr). This variant is present in population databases (rs756218457, gnomAD 0.007%). This variant has not been reported in the literature in individuals affected with HEXA-related conditions. ClinVar contains an entry for this variant (Variation ID: 317048). Algorithms developed to predict the effect of missense changes on protein structure and function are either unavailable or do not agree on the potential impact of this missense change (SIFT: "Tolerated"; PolyPhen-2: "Not Available"; Align-GVGD: "Class C0"). In summary, the available evidence is currently insufficient to determine the role of this variant in disease. Therefore, it has been classified as a Variant of Uncertain Significance.